The following is an entry in ClinVar:

ClinVar aggregate classification (germline): Uncertain significance. Review status: criteria provided, multiple submitters, no conflicts (2 of 4 stars). 2 submissions from 2 submitters: Uncertain significance (2). Last evaluated 2024-12-16.

Allele frequency attached by ClinVar (database versions not stated): gnomAD exomes 0.00004 and 0.00008.

Submissions (2):

Labcorp Genetics (formerly Invitae), Labcorp
Classification: Uncertain significance. Last evaluated: 2024-12-16. Review status: criteria provided, single submitter. Criteria: Invitae Variant Classification Sherloc (09022015). Collection method: clinical testing. Allele origin: germline.
Comment: This sequence change replaces arginine, which is basic and polar, with glutamine, which is neutral and polar, at codon 287 of the GRM6 protein (p.Arg287Gln). This variant is present in population databases (no rsID available, gnomAD 0.008%). This variant has not been reported in the literature in individuals affected with GRM6-related conditions. ClinVar contains an entry for this variant (Variation ID: 1478826). Invitae Evidence Modeling of protein sequence and biophysical properties (such as structural, functional, and spatial information, amino acid conservation, physicochemical variation, residue mobility, and thermodynamic stability) indicates that this missense variant is not expected to disrupt GRM6 protein function with a negative predictive value of 95%. Algorithms developed to predict the effect of sequence changes on RNA splicing suggest that this variant may create or strengthen a splice site. In summary, the available evidence is currently insufficient to determine the role of this variant in disease. Therefore, it has been classified as a Variant of Uncertain Significance.

Blueprint Genetics
Classification: Uncertain significance. Last evaluated: 2024-09-02. Review status: criteria provided, single submitter. Criteria: ACMG Guidelines, 2015. Collection method: clinical testing. Allele origin: germline.

NM_000843.4(GRM6):c.860G>A (p.Arg287Gln)

Gene: GRM6 (glutamate metabotropic receptor 6; minus strand). Cytogenetic location: 5q35.3.
Variant type: single nucleotide variant.
Coding change: c.860G>A on transcript NM_000843.4 (MANE Select); coding-DNA position 860, G replaced by A.
Protein change: p.Arg287Gln; replaces arginine 287 with glutamine.
Molecular consequence: missense variant.
Genome position (GRCh38, 1-based): chr5:178,990,744, C>T on the plus strand (G>A on the coding strand, the complement: GRM6 is on the minus strand). VCF-style: chr5-178990744-C-T. GRCh37 (hg19) VCF-style: chr5-178417745-C-T.
Other names: short protein forms R287Q.
Identifiers: ClinVar variation 1478826 (VCV001478826.8), dbSNP rs879403706, ClinGen allele CA133028623.
Genomic context (GRCh38, chr5:178,990,744, plus strand): 5'-TCTGAGCCGACCCACAGGAAGTGGCCGGTCAGGTTGGCCTGGCGAGCTGCCTCCAGGACC[C>T]GCCTGGTAGGAGCAGGGCTGGGGTGAGGGAGGGCCTGGGAGCCTCCTCCAGCTCGGCCCC-3'
Protein context (NP_000834.2, residues 277-297): IIFANEDDIR[Arg287Gln]VLEAARQANL